The following is an entry in ClinVar:

ClinVar aggregate classification (germline): Uncertain significance. Review status: criteria provided, multiple submitters, no conflicts (2 of 4 stars). 2 submissions from 2 submitters: Uncertain significance (2). Last evaluated 2024-05-30.

Conditions:
Hereditary cancer-predisposing syndrome. Also called: Neoplastic Syndromes, Hereditary; Hereditary neoplastic syndrome; Tumor predisposition; Hereditary Cancer Syndrome. Identifiers: Orphanet 140162, MedGen C0027672, MeSH D009386, MONDO:0015356.
Ataxia-telangiectasia syndrome (AT). Also called: Ataxia telangiectasia (A-T); Cerebello-oculocutaneous telangiectasia; Immunodeficiency with ataxia telangiectasia; LOUIS-BAR SYNDROME; AT, COMPLEMENTATION GROUP C; ATAXIA-TELANGIECTASIA, FRESNO VARIANT. Identifiers: Orphanet 100, MedGen C0004135, MONDO:0008840, OMIM 208900.

Allele frequency attached by ClinVar (database versions not stated): ExAC 0.00001; gnomAD exomes below 0.00001.
gnomAD v4.1: 1 of 1,614,042 alleles (0.000062%); highest among the groups gnomAD compares: Non-Finnish European, 0.000085%; no homozygotes.

Submissions (2):

Ambry Genetics
Classification: Uncertain significance for Hereditary cancer-predisposing syndrome. Last evaluated: 2024-05-30. Review status: criteria provided, single submitter. Criteria: Ambry Variant Classification Scheme 2023. Collection method: clinical testing. Allele origin: germline.
Comment: The p.P2907R variant (also known as c.8720C>G), located in coding exon 59 of the ATM gene, results from a C to G substitution at nucleotide position 8720. The proline at codon 2907 is replaced by arginine, an amino acid with dissimilar properties. This amino acid position is highly conserved in available vertebrate species. In addition, this alteration is predicted to be deleterious by in silico analysis. Based on the available evidence, the clinical significance of this variant remains unclear.

Labcorp Genetics (formerly Invitae), Labcorp
Classification: Uncertain significance for Ataxia-telangiectasia syndrome. Last evaluated: 2023-11-27. Review status: criteria provided, single submitter. Criteria: Invitae Variant Classification Sherloc (09022015). Collection method: clinical testing. Allele origin: germline.
Comment: This sequence change replaces proline, which is neutral and non-polar, with arginine, which is basic and polar, at codon 2907 of the ATM protein (p.Pro2907Arg). This variant is present in population databases (rs56887719, gnomAD 0.0009%). This variant has not been reported in the literature in individuals affected with ATM-related conditions. ClinVar contains an entry for this variant (Variation ID: 230230). An algorithm developed to predict the effect of missense changes on protein structure and function (PolyPhen-2) suggests that this variant is likely to be disruptive. In summary, the available evidence is currently insufficient to determine the role of this variant in disease. Therefore, it has been classified as a Variant of Uncertain Significance.

NM_000051.4(ATM):c.8720C>G (p.Pro2907Arg)

Genes: C11orf65 (chromosome 11 open reading frame 65; minus strand), ATM (ATM serine/threonine kinase; plus strand). Cytogenetic location: 11q22.3.
Variant type: single nucleotide variant.
Coding change: c.8720C>G on transcript NM_000051.4 (MANE Select); coding-DNA position 8720, C replaced by G.
Protein change: p.Pro2907Arg; replaces proline 2907 with arginine.
Molecular consequence: missense variant. On other transcripts: intron variant (2).
Genome position (GRCh38, 1-based): chr11:108,353,814, C>G. VCF-style: chr11-108353814-C-G. GRCh37 (hg19) VCF-style: chr11-108224541-C-G.
Other names: c.8720C>G, p.Pro2907Arg (NM_001351834.2); c.640+32106G>C (NM_001330368.2); c.695-18522G>C (NM_001351110.2); short protein forms P2907R.
Identifiers: ClinVar variation 230230 (VCV000230230.15), dbSNP rs56887719, ClinGen allele CA6266428.
Genomic context (GRCh38, chr11:108,353,814, plus strand): 5'-TCTTTACTTTAGGTGTTGCTTTTGAACAGGGCAAAATCCTTCCTACTCCTGAGACAGTTC[C>G]TTTTAGACTCACCAGAGATATTGTGGATGGCATGGGCATTACGGGTGTTGAAGGTGTCTT-3'
Protein context (NP_000042.3, residues 2897-2917): GKILPTPETV[Pro2907Arg]FRLTRDIVDG